The following is an entry in ClinVar:

NM_032193.4(RNASEH2C):c.20C>T (p.Ala7Val)

Gene: RNASEH2C (ribonuclease H2 subunit C; minus strand). Cytogenetic location: 11q13.1.
Variant type: single nucleotide variant.
Coding change: c.20C>T on transcript NM_032193.4 (MANE Select); coding-DNA position 20, C replaced by T.
Protein change: p.Ala7Val; replaces alanine 7 with valine.
Molecular consequence: missense variant.
Genome position (GRCh38, 1-based): chr11:65,720,739, G>A on the plus strand (C>T on the coding strand, the complement: RNASEH2C is on the minus strand). VCF-style: chr11-65720739-G-A. GRCh37 (hg19) VCF-style: chr11-65488210-G-A.
Other names: short protein forms A7V.
Identifiers: ClinVar variation 1422194 (VCV001422194.5), dbSNP rs767413437, ClinGen allele CA6107853.

ClinVar aggregate classification (germline): Uncertain significance (1 of 4 stars; one submission).

Conditions:
Aicardi-Goutieres syndrome 3. Identifiers: Orphanet 51, MedGen C1835916, MONDO:0012471, OMIM 610329.

Allele frequency attached by ClinVar (database versions not stated): gnomAD 0.00001; gnomAD exomes 0.00001; ExAC 0.00004; 1000 Genomes Project 30x 0.00016.
gnomAD v4.1: 11 of 1,594,482 alleles (0.00069%); highest among the groups gnomAD compares: East Asian, 0.02%; no homozygotes.

Submission:

Labcorp Genetics (formerly Invitae), Labcorp
Classification: Uncertain significance for Aicardi-Goutieres syndrome 3. Last evaluated: 2022-10-24. Review status: criteria provided, single submitter. Criteria: Invitae Variant Classification Sherloc (09022015). Collection method: clinical testing. Allele origin: germline.
Comment: This sequence change replaces alanine, which is neutral and non-polar, with valine, which is neutral and non-polar, at codon 7 of the RNASEH2C protein (p.Ala7Val). The frequency data for this variant in the population databases is considered unreliable, as metrics indicate poor data quality at this position in the gnomAD database. This variant has not been reported in the literature in individuals affected with RNASEH2C-related conditions. ClinVar contains an entry for this variant (Variation ID: 1422194). Algorithms developed to predict the effect of missense changes on protein structure and function output the following: SIFT: "Tolerated"; PolyPhen-2: "Benign"; Align-GVGD: "Class C0". The valine amino acid residue is found in multiple mammalian species, which suggests that this missense change does not adversely affect protein function. In summary, the available evidence is currently insufficient to determine the role of this variant in disease. Therefore, it has been classified as a Variant of Uncertain Significance.